The following is an entry in ClinVar:

ClinVar aggregate classification (germline): Benign. Review status: criteria provided, multiple submitters, no conflicts (2 of 4 stars). 2 submissions from 2 submitters: Benign (2). Last evaluated 2018-06-18.

Allele frequency attached by ClinVar (database versions not stated): 1000 Genomes Project 30x 0.33151; 1000 Genomes Project 0.33387; TOPMed 0.38016; gnomAD 0.38466 and 0.38605; ESP Exome Variant Server 0.40911; gnomAD exomes 0.42483.
gnomAD v4.1: 581,972 of 1,384,766 alleles (42%); highest among the groups gnomAD compares: Non-Finnish European, 44%; 122,978 homozygotes.

Submissions (2):

GeneDx
Classification: Benign. Last evaluated: 2018-06-18. Review status: criteria provided, single submitter. Criteria: GeneDx Variant Classification (06012015). Collection method: clinical testing. Allele origin: germline. Affected: yes.
Comment: This variant is considered likely benign or benign based on one or more of the following criteria: it is a conservative change, it occurs at a poorly conserved position in the protein, it is predicted to be benign by multiple in silico algorithms, and/or has population frequency not consistent with disease.

Breakthrough Genomics
Classification: Benign. Review status: criteria provided, single submitter. Criteria: ACMG Guidelines, 2015. Collection method: not provided. Allele origin: germline. Inheritance: Autosomal dominant inheritance. Affected: yes.

NM_006258.4(PRKG1):c.840+62C>T

Gene: PRKG1 (protein kinase cGMP-dependent 1; plus strand). Cytogenetic location: 10q21.1.
Variant type: single nucleotide variant.
Coding change: c.840+62C>T on transcript NM_006258.4 (MANE Select); 62 bases into the intron after coding-DNA position 840, C replaced by T.
Molecular consequence: intron variant.
Genome position (GRCh38, 1-based): chr10:52,054,623, C>T. VCF-style: chr10-52054623-C-T. GRCh37 (hg19) VCF-style: chr10-53814383-C-T.
Other names: c.795+62C>T (NM_001098512.3).
Identifiers: ClinVar variation 674738 (VCV000674738.2), dbSNP rs12778630, ClinGen allele CA15644387.
Genomic context (GRCh38, chr10:52,054,623, plus strand): 5'-TAAGCTTTGGTGGCACAAGACAGTGATGCACTAGGGGAGCCTGGGGTTGGTTAGTAACTC[C>T]AGTAGGAACACATGCAGAGTCTTGTGCTATATGAGTTTGTTCCATTTTTTGACACAGAGA-3'